The following is an entry in ClinVar:

ClinVar aggregate classification (germline): Likely pathogenic. Review status: criteria provided, multiple submitters, no conflicts (2 of 4 stars). 2 submissions from 2 submitters: Likely pathogenic (2). Last evaluated 2025-12-04.

Conditions:
Dilated cardiomyopathy 1G (CMD1G). Identifiers: Orphanet 154, MedGen C1858763, MONDO:0011400, OMIM 604145.
Autosomal recessive limb-girdle muscular dystrophy type 2J (LGMDR10). Also called: Limb-girdle muscular dystrophy, type 2J; MUSCULAR DYSTROPHY, LIMB-GIRDLE, AUTOSOMAL RECESSIVE 10. Identifiers: Orphanet 140922, MedGen C1837342, MONDO:0012127, OMIM 608807.

Submissions (2):

Variantyx, Inc.
Classification: Likely pathogenic for Dilated cardiomyopathy 1G. Last evaluated: 2025-12-04. Review status: criteria provided, single submitter. Criteria: Variantyx Assertion Criteria 2022. Collection method: clinical testing. Allele origin: germline. Inheritance: Autosomal dominant inheritance. Affected: yes.
Comment: This is a frameshift variant in the TTN gene (OMIM: 188840). Pathogenic variants in this gene have been associated with autosomal dominant dilated cardiomyopathy 1G. This variant introduces a premature termination codon in exon 361 out of 363 and is expected to result in loss of function, which is a known disease mechanism for TTN in this disorder (PMID: 27869827, 33226272) (PVS1). This variant is absent from control populations (PM2). Based on the current evidence, this variant is classified as likely pathogenic for autosomal dominant dilated cardiomyopathy 1G.

Labcorp Genetics (formerly Invitae), Labcorp
Classification: Likely pathogenic for Dilated cardiomyopathy 1G; Autosomal recessive limb-girdle muscular dystrophy type 2J. Last evaluated: 2022-09-13. Review status: criteria provided, single submitter. Criteria: Invitae Variant Classification Sherloc (09022015). Collection method: clinical testing. Allele origin: germline.
Comment: In summary, the currently available evidence indicates that the variant is pathogenic, but additional data are needed to prove that conclusively. Therefore, this variant has been classified as Likely Pathogenic. This variant is located in the M band of TTN (PMID: 25589632). Truncating variants in this region have been previously reported in individuals affected with autosomal recessive myopathy and muscular dystrophy (PMID: 18948003, 23975875, 24395473), but have not been definitively shown to cause cardiomyopathy (PMID: 25589632). ClinVar contains an entry for this variant (Variation ID: 1510785). This variant has not been reported in the literature in individuals affected with TTN-related conditions. This variant is not present in population databases (gnomAD no frequency). This sequence change creates a premature translational stop signal (p.Lys35775Argfs*15) in the TTN gene. While this is not anticipated to result in nonsense mediated decay, it is expected to create a truncated TTN protein.

Literature cited by the submitters: PubMed 27869827 (cited by Variantyx, Inc.); PubMed 33226272 (cited by Variantyx, Inc.); PubMed 25589632 (cited by Labcorp Genetics (formerly Invitae), Labcorp); PubMed 18948003 (cited by Labcorp Genetics (formerly Invitae), Labcorp); PubMed 23975875 (cited by Labcorp Genetics (formerly Invitae), Labcorp); PubMed 24395473 (cited by Labcorp Genetics (formerly Invitae), Labcorp).

NM_001267550.2(TTN):c.107322del (p.Lys35775fs)

Genes: TTN (titin; minus strand), TTN-AS1 (TTN antisense RNA 1; plus strand). Cytogenetic location: 2q31.2.
Variant type: Deletion.
Coding change: c.107322del on transcript NM_001267550.2 (MANE Select); coding-DNA position 107322, one base deleted (T; older notation c.107322delT).
Protein change: p.Lys35775fs; shifts the reading frame from lysine 35775.
Molecular consequence: frameshift variant.
Genome position (GRCh38, 1-based): chr2:178,528,329, A deleted on the plus strand (T on the coding strand, the reverse complement: TTN is on the minus strand); the first of 2 consecutive A bases (chr2:178,528,329-178,528,330); deleting either gives the same sequence. VCF-style (leftmost placement, unchanged base first): chr2-178528328-TA-T. GRCh37 (hg19) VCF-style: chr2-179393055-TA-T.
Other names: c.102399del, p.Lys34134fs (NM_001256850.1); c.80127del, p.Lys26710fs (NM_003319.4); c.99618del, p.Lys33207fs (NM_133378.4); c.80502del, p.Lys26835fs (NM_133432.3); c.80703del, p.Lys26902fs (NM_133437.4); short protein forms K33207fs, K34134fs, K26835fs, K26902fs, K35775fs, K26710fs.
Identifiers: ClinVar variation 1510785 (VCV001510785.7), dbSNP rs2154130886, ClinGen allele CA2573134054.